The following is an entry in ClinVar:

NM_000492.4(CFTR):c.927C>T (p.Ala309=)

Gene: CFTR (CF transmembrane conductance regulator; plus strand). Cytogenetic location: 7q31.2.
Variant type: single nucleotide variant.
Coding change: c.927C>T on transcript NM_000492.4 (MANE Select); coding-DNA position 927, C replaced by T.
Protein change: p.Ala309=; no amino-acid change (alanine 309 retained).
Molecular consequence: synonymous variant.
Genome position (GRCh38, 1-based): chr7:117,540,157, C>T. VCF-style: chr7-117540157-C-T. GRCh37 (hg19) VCF-style: chr7-117180211-C-T.
Identifiers: ClinVar variation 256258 (VCV000256258.18), dbSNP rs1800084, ClinGen allele CA4450866.

ClinVar aggregate classification (germline): Conflicting classifications of pathogenicity. Review status: criteria provided, conflicting classifications (1 of 4 stars). 6 submissions from 6 submitters: Uncertain significance (2); Likely benign (3). 1 of the submissions does not count toward it. Last evaluated 2026-01-21.

Conditions:
Cystic fibrosis (CF). Also called: MUCOVISCIDOSIS. Identifiers: Orphanet 586, MedGen C0010674, MONDO:0009061, OMIM 219700. Disease mechanism: loss of function.

gnomAD v4.1: 33 of 1,613,630 alleles (0.002%); highest among the groups gnomAD compares: East Asian, 0.067%; no homozygotes.

Submissions (6):

Labcorp Genetics (formerly Invitae), Labcorp
Classification: Likely benign for Cystic fibrosis. Last evaluated: 2026-01-21. Review status: criteria provided, single submitter. Criteria: Invitae Variant Classification Sherloc (09022015). Collection method: clinical testing. Allele origin: germline.

Ambry Genetics
Classification: Uncertain significance for Cystic fibrosis. Last evaluated: 2025-03-04. Review status: criteria provided, single submitter. Criteria: Ambry Variant Classification Scheme 2023. Collection method: clinical testing. Allele origin: germline.
Comment: The c.927C>T variant (also known as p.A309A), located in coding exon 8 of the CFTR gene, results from a C to T substitution at nucleotide position 927. This nucleotide substitution does not change the amino acid at codon 309. This alteration has been identified in an individual diagnosed with pancreatitis (Lee JH et al. Hum Mol Genet, 2003 Sep;12:2321-32). This nucleotide position is not well conserved in available vertebrate species. In silico splice site analysis predicts that this alteration may result in the creation or strengthening of a novel splice acceptor site. Based on the available evidence, the clinical significance of this variant remains unclear.

Quest Diagnostics Nichols Institute San Juan Capistrano
Classification: Uncertain significance. Last evaluated: 2024-05-16. Review status: criteria provided, single submitter. Criteria: Quest Diagnostics criteria. Collection method: clinical testing. Allele origin: unknown.
Comment: The CFTR c.927C>T (p.Ala309=) synonymous variant has been reported in the published literature in a heterozygous individual with pancreatitis (PMID: 12952861 (2003)). The frequency of this variant in the general population, 0.00016 (3/18384 chromosomes (Genome Aggregation Database)), is uninformative in the assessment of its pathogenicity. Analysis of this variant using software algorithms for the prediction of the effect of nucleotide changes on splicing yielded predictions that this variant does not affect CFTR mRNA splicing. Based on the available information, we are unable to determine the clinical significance of this variant.

Blueprint Genetics
Classification: Likely benign. Last evaluated: 2023-05-15. Review status: criteria provided, single submitter. Criteria: ACMG Guidelines, 2015. Collection method: clinical testing. Allele origin: germline.

PreventionGenetics, part of Exact Sciences
Classification: Likely benign. Review status: criteria provided, single submitter. Criteria: ACMG Guidelines, 2015. Collection method: clinical testing. Allele origin: germline.

Natera, Inc.
Classification: Likely benign for Cystic Fibrosis. Last evaluated: 2020-09-16. Review status: no assertion criteria provided. Collection method: clinical testing. Allele origin: germline. Not counted in ClinVar's aggregate classification.

Literature cited by the submitters: PubMed 12952861 (cited by Ambry Genetics and Quest Diagnostics Nichols Institute San Juan Capistrano).